The following is an entry in ClinVar:

NM_001134363.3(RBM20):c.709G>A (p.Gly237Ser)

Gene: RBM20 (RNA binding motif protein 20; plus strand). Cytogenetic location: 10q25.2.
Variant type: single nucleotide variant.
Coding change: c.709G>A on transcript NM_001134363.3 (MANE Select); coding-DNA position 709, G replaced by A.
Protein change: p.Gly237Ser; replaces glycine 237 with serine.
Molecular consequence: missense variant.
Genome position (GRCh38, 1-based): chr10:110,781,318, G>A. VCF-style: chr10-110781318-G-A. GRCh37 (hg19) VCF-style: chr10-112541076-G-A.
Other names: short protein forms G237S.
Identifiers: ClinVar variation 4686436 (VCV004686436.1).

ClinVar aggregate classification (germline): Uncertain significance (1 of 4 stars; one submission).

gnomAD v4.1: 2 of 1,551,692 alleles (0.00013%); highest among the groups gnomAD compares: African/African-American, 0.0014%; no homozygotes.

Submission:

GeneDx
Classification: Uncertain significance. Last evaluated: 2025-07-13. Review status: criteria provided, single submitter. Criteria: GeneDx Variant Classification Process June 2021. Collection method: clinical testing. Allele origin: germline. Affected: yes.
Comment: Not observed at significant frequency in large population cohorts (gnomAD); In silico analysis suggests that this missense variant does not alter protein structure/function; Has not been previously published as pathogenic or benign to our knowledge